The following is an entry in ClinVar:

ClinVar aggregate classification (germline): Uncertain significance (1 of 4 stars; one submission).

Conditions:
Neurofibromatosis, type 2 (SWNV). Also called: SCHWANNOMATOSIS, VESTIBULAR; NF2-Related Schwannomatosis; BILATERAL ACOUSTIC NEUROFIBROMATOSIS. Identifiers: Orphanet 637, MedGen C0027832, MONDO:0007039, OMIM 101000. Disease mechanism: loss of function.

Submission:

Labcorp Genetics (formerly Invitae), Labcorp
Classification: Uncertain significance for Neurofibromatosis, type 2. Last evaluated: 2022-07-29. Review status: criteria provided, single submitter. Criteria: Invitae Variant Classification Sherloc (09022015). Collection method: clinical testing. Allele origin: germline.
Comment: In summary, the available evidence is currently insufficient to determine the role of this variant in disease. Therefore, it has been classified as a Variant of Uncertain Significance. Algorithms developed to predict the effect of missense changes on protein structure and function (SIFT, PolyPhen-2, Align-GVGD) all suggest that this variant is likely to be disruptive. This variant has not been reported in the literature in individuals affected with NF2-related conditions. This variant is not present in population databases (gnomAD no frequency). This sequence change replaces glutamine, which is neutral and polar, with leucine, which is neutral and non-polar, at codon 147 of the NF2 protein (p.Gln147Leu).

NM_000268.4(NF2):c.440A>T (p.Gln147Leu)

Gene: NF2 (NF2, moesin-ezrin-radixin like (MERLIN) tumor suppressor; plus strand). Cytogenetic location: 22q12.2.
Variant type: single nucleotide variant.
Coding change: c.440A>T on transcript NM_000268.4 (MANE Select); coding-DNA position 440, A replaced by T.
Protein change: p.Gln147Leu; replaces glutamine 147 with leucine.
Molecular consequence: missense variant. On other transcripts: non-coding transcript variant (1).
Genome position (GRCh38, 1-based): chr22:29,642,278, A>T. VCF-style: chr22-29642278-A-T. GRCh37 (hg19) VCF-style: chr22-30038267-A-T.
Other names: c.326A>T, p.Gln109Leu (NM_001407053.1, NM_001407056.1); c.317A>T, p.Gln106Leu (NM_001407054.1, NM_001407058.1, NM_001407062.1 and 1 more transcripts); c.314A>T, p.Gln105Leu (NM_001407055.1, NM_181828.3); c.440A>T, p.Gln147Leu (NM_001407057.1, NM_001407059.1, NM_001407060.1 and 5 more transcripts); c.191A>T, p.Gln64Leu (NM_001407063.1, NM_001407064.1, NM_181830.3 and 1 more transcripts); c.-201A>T (NM_001407065.1); c.209A>T, p.Gln70Leu (NM_001407067.1); short protein forms Q105L, Q106L, Q109L, Q147L, Q64L, Q70L.
Identifiers: ClinVar variation 1714071 (VCV001714071.6), dbSNP rs2065831928, ClinGen allele CA411153879.